The following is an entry in ClinVar:

NM_138711.6(PPARG):c.1341C>T (p.His447=)

Gene: PPARG (peroxisome proliferator activated receptor gamma; plus strand). Cytogenetic location: 3p25.2.
Variant type: single nucleotide variant.
Coding change: c.1341C>T on transcript NM_138711.6 (MANE Select); coding-DNA position 1341, C replaced by T.
Protein change: p.His447=; no amino-acid change (histidine 447 retained).
Molecular consequence: synonymous variant. On other transcripts: 3 prime UTR variant (5).
Genome position (GRCh38, 1-based): chr3:12,434,058, C>T. VCF-style: chr3-12434058-C-T. GRCh37 (hg19) VCF-style: chr3-12475557-C-T.
Other names: H449H; PPARG, HIS449HIS (rs3856806); p.His477=; 161C-T; c.*143C>T (NM_001330615.4, NM_001374261.3, NM_001374262.3 and 1 more transcripts); c.1341C>T, p.His447= (NM_001354666.3, NM_001354667.3, NM_001374263.2 and 3 more transcripts); c.714C>T, p.His238= (NM_001354669.2); c.*127C>T (NM_001374266.1); and 1 more.
Identifiers: ClinVar variation 8139 (VCV000008139.23), dbSNP rs3856806, ClinGen allele CA119323.

ClinVar aggregate classification (germline): Benign/Likely benign. Review status: criteria provided, multiple submitters, no conflicts (2 of 4 stars). 11 submissions from 8 submitters: Benign (4); Likely benign (4). 3 of the submissions do not count toward it. Last evaluated 2026-02-04.

Conditions:
Obesity. Also called: Obesity disorder. Identifiers: Orphanet 71529, MedGen C0028754, MeSH D009765, MONDO:0011122, HP:0001513.
PPARG POLYMORPHISM.
Glioma susceptibility 1 (GLM1). Also called: Glioblastoma, somatic. Identifiers: MedGen C2750850, MONDO:0024498, OMIM 137800.
INSULIN RESISTANCE, DIGENIC. Identifiers: MedGen C4016738.
PPARG-related familial partial lipodystrophy. Also called: LIPODYSTROPHY, FAMILIAL PARTIAL, ASSOCIATED WITH PPARG MUTATIONS. Identifiers: Orphanet 79083, MedGen C1720861, MONDO:0011448, OMIM 604367.

Allele frequency attached by ClinVar (database versions not stated): gnomAD 0.11181 and 0.11507; 1000 Genomes Project 0.12660; gnomAD exomes 0.12868 and 0.13410; ExAC 0.13399; TOPMed 0.10209; 1000 Genomes Project 30x 0.12055.
gnomAD v4.1: 205,067 of 1,614,040 alleles (13%); highest among the groups gnomAD compares: East Asian, 20%; 13,821 homozygotes.

Submissions (11):

Labcorp Genetics (formerly Invitae), Labcorp
Classification: Benign. Last evaluated: 2026-02-04. Review status: criteria provided, single submitter. Criteria: Invitae Variant Classification Sherloc (09022015). Collection method: clinical testing. Allele origin: germline.

Mayo Clinic Laboratories, Mayo Clinic
Classification: Benign. Last evaluated: 2025-01-06. Review status: criteria provided, single submitter. Criteria: ACMG Guidelines, 2015. Collection method: clinical testing. Allele origin: germline. Observed: 32 variant alleles.

Blueprint Genetics
Classification: Benign. Last evaluated: 2024-11-26. Review status: criteria provided, single submitter. Criteria: ACMG Guidelines, 2015. Collection method: clinical testing. Allele origin: germline.

GeneDx
Classification: Benign. Last evaluated: 2019-04-14. Review status: criteria provided, single submitter. Criteria: GeneDx Variant Classification Process June 2021. Collection method: clinical testing. Allele origin: germline. Affected: yes.
Comment: This variant is associated with the following publications: (PMID: 18992148, 17141766, 22575725, 21795447, 10851250, 21833536, 9467001)

Illumina Laboratory Services, Illumina
Classification: Likely benign for Inherited obesity. Last evaluated: 2017-04-27. Review status: criteria provided, single submitter. Criteria: ICSL Variant Classification Criteria 13 December 2019. Collection method: clinical testing. Allele origin: germline.
Comment: This variant was observed as part of a predisposition screen in an ostensibly healthy population. A literature search was performed for the gene, cDNA change, and amino acid change (where applicable). No publications were found based on this search. Allele frequency data from public databases allowed determination this variant is unlikely to cause disease. Therefore, this variant is classified as likely benign.

Illumina Laboratory Services, Illumina
Classification: Likely benign for Diabetes Mellitus, Noninsulin-Dependent, with Acanthosis Nigricans and Hypertension. Last evaluated: 2017-04-27. Review status: criteria provided, single submitter. Criteria: ICSL Variant Classification Criteria 13 December 2019. Collection method: clinical testing. Allele origin: germline.
Comment: the same text as in the submission from Illumina Laboratory Services, Illumina above.

Illumina Laboratory Services, Illumina
Classification: Likely benign for PPARG-related familial partial lipodystrophy. Last evaluated: 2017-04-27. Review status: criteria provided, single submitter. Criteria: ICSL Variant Classification Criteria 13 December 2019. Collection method: clinical testing. Allele origin: germline.
Comment: This variant was observed as part of a predisposition screen in an ostensibly healthy population. A literature search was performed for the gene, cDNA change, and amino acid change (where applicable). Publications were found based on this search. The evidence from the literature, in combination with allele frequency data from public databases where available, was sufficient to determine this variant is unlikely to cause disease. Therefore, this variant is classified as likely benign.

Breakthrough Genomics
Classification: Likely benign. Review status: criteria provided, single submitter. Criteria: ACMG Guidelines, 2015. Collection method: not provided. Allele origin: germline. Inheritance: Autosomal recessive inheritance. Affected: yes.

OMIM
Classification: Benign for PPARG POLYMORPHISM. Last evaluated: 2003-12-01. Review status: no assertion criteria provided. Collection method: literature only. Allele origin: germline. Not counted in ClinVar's aggregate classification.

OMIM
Classification: Benign for RECLASSIFIED - PEROXISOME PROLIFERATOR-ACTIVATED RECEPTOR-GAMMA POLYMORPHISM. Last evaluated: 2000-06-01. Review status: no assertion criteria provided. Collection method: literature only. Allele origin: germline. Not counted in ClinVar's aggregate classification.

Genetic Services Laboratory, University of Chicago
Classification: Likely benign for AllHighlyPenetrant. Review status: no assertion criteria provided. Collection method: clinical testing. Allele origin: germline. Inheritance: Autosomal dominant inheritance. Not counted in ClinVar's aggregate classification.
Comment: Likely benign based on allele frequency in 1000 Genomes Project or ESP global frequency and its presence in a patient with a rare or unrelated disease phenotype. NOT Sanger confirmed.

Literature cited by the submitters: PubMed 10523018 (cited by Illumina Laboratory Services, Illumina); PubMed 14671186 (cited by Illumina Laboratory Services, Illumina and OMIM); PubMed 9467001 (cited by Illumina Laboratory Services, Illumina and OMIM); PubMed 10690291 (cited by OMIM); PubMed 10381354 (cited by OMIM); PubMed 14616762 (cited by OMIM); PubMed 14569127 (cited by OMIM); Exome Variant Server NHLBI GO Exome Sequencing Project (ESP), Seattle, WA. 2012. (cited by OMIM); PubMed 10851250 (cited by OMIM).